The following is an entry in ClinVar:

ClinVar aggregate classification (germline): Uncertain significance (1 of 4 stars; one submission).

Conditions:
Kabuki syndrome. Also called: Kabuki make-up syndrome; NIIKAWA-KUROKI SYNDROME. Identifiers: Orphanet 2322, MedGen C0796004, MONDO:0016512.

Allele frequency attached by ClinVar (database versions not stated): gnomAD exomes below 0.00001.
gnomAD v4.1: 1 of 1,588,542 alleles (0.000063%); highest among the groups gnomAD compares: Non-Finnish European, 0.000086%; no homozygotes.

Submission:

Labcorp Genetics (formerly Invitae), Labcorp
Classification: Uncertain significance for Kabuki syndrome. Last evaluated: 2022-12-30. Review status: criteria provided, single submitter. Criteria: Invitae Variant Classification Sherloc (09022015). Collection method: clinical testing. Allele origin: germline.
Comment: In summary, the available evidence is currently insufficient to determine the role of this variant in disease. Therefore, it has been classified as a Variant of Uncertain Significance. Advanced modeling of protein sequence and biophysical properties (such as structural, functional, and spatial information, amino acid conservation, physicochemical variation, residue mobility, and thermodynamic stability) performed at Invitae indicates that this missense variant is not expected to disrupt KMT2D protein function. This variant has not been reported in the literature in individuals affected with KMT2D-related conditions. This variant is not present in population databases (gnomAD no frequency). This sequence change replaces serine, which is neutral and polar, with alanine, which is neutral and non-polar, at codon 3986 of the KMT2D protein (p.Ser3986Ala).

NM_003482.4(KMT2D):c.11956T>G (p.Ser3986Ala)

Gene: KMT2D (lysine methyltransferase 2D; minus strand). Cytogenetic location: 12q13.12.
Variant type: single nucleotide variant.
Coding change: c.11956T>G on transcript NM_003482.4 (MANE Select); coding-DNA position 11956, T replaced by G.
Protein change: p.Ser3986Ala; replaces serine 3986 with alanine.
Molecular consequence: missense variant.
Genome position (GRCh38, 1-based): chr12:49,032,749, A>C on the plus strand (T>G on the coding strand, the complement: KMT2D is on the minus strand). VCF-style: chr12-49032749-A-C. GRCh37 (hg19) VCF-style: chr12-49426532-A-C.
Other names: short protein forms S3986A.
Identifiers: ClinVar variation 2792931 (VCV002792931.3), dbSNP rs2498359535, ClinGen allele CA384713787.
Genomic context (GRCh38, chr12:49,032,749, plus strand): 5'-GAGGCTTTGCTGGCATGCCAGGGCCAAGTGCCACTTGCTGCTGCTGTTGTTGCTGAGGAG[A>C]CAGTAAAGTTCGACTCTGGTTTAAAAGGCCCATCTGCTGCTGTTGCTGCTGCTGTTGAAA-3'
Protein context (NP_003473.3, residues 3976-3996): GLLNQSRTLL[Ser3986Ala]PQQQQQQQVA